The following is an entry in ClinVar:

NM_152309.3(PIK3AP1):c.1966A>T (p.Ser656Cys)

Gene: PIK3AP1 (phosphoinositide-3-kinase adaptor protein 1; minus strand). Cytogenetic location: 10q24.1.
Variant type: single nucleotide variant.
Coding change: c.1966A>T on transcript NM_152309.3 (MANE Select); coding-DNA position 1966, A replaced by T.
Protein change: p.Ser656Cys; replaces serine 656 with cysteine.
Molecular consequence: missense variant.
Genome position (GRCh38, 1-based): chr10:96,616,687, T>A on the plus strand (A>T on the coding strand, the complement: PIK3AP1 is on the minus strand). VCF-style: chr10-96616687-T-A. GRCh37 (hg19) VCF-style: chr10-98376444-T-A.
Other names: short protein forms S656C.
Identifiers: ClinVar variation 2889797 (VCV002889797.3), dbSNP rs1364379895, ClinGen allele CA377753942.
Genomic context (GRCh38, chr10:96,616,687, plus strand): 5'-GAAGCCACATACCTGTCTGCTTTCCTGATTTTTGCTTCTCTCTCTGTCTTCGGGTGATGC[T>A]GTCTCTTAGCCGTTTAAGATTTTCCTGGAAAAAAATTTGGTTTATTTTTTAAGTGTACAA-3'
Protein context (NP_689522.2, residues 646-666): QQENLKRLRD[Ser656Cys]ITRRQREKQK

ClinVar aggregate classification (germline): Uncertain significance (1 of 4 stars; one submission).

Conditions:
Infantile spasms. Also called: Infantile spasm. Identifiers: MedGen C3887898, HP:0012469.

gnomAD v4.1: 3 of 1,614,246 alleles (0.00019%); highest among the groups gnomAD compares: Non-Finnish European, 0.00025%; no homozygotes.

Submission:

Labcorp Genetics (formerly Invitae), Labcorp
Classification: Uncertain significance for Infantile spasms. Last evaluated: 2023-07-25. Review status: criteria provided, single submitter. Criteria: Invitae Variant Classification Sherloc (09022015). Collection method: clinical testing. Allele origin: germline.
Comment: In summary, the available evidence is currently insufficient to determine the role of this variant in disease. Therefore, it has been classified as a Variant of Uncertain Significance. An algorithm developed to predict the effect of missense changes on protein structure and function (PolyPhen-2) suggests that this variant is likely to be disruptive. This variant has not been reported in the literature in individuals affected with PIK3AP1-related conditions. This variant is present in population databases (no rsID available, gnomAD 0.0009%). This sequence change replaces serine, which is neutral and polar, with cysteine, which is neutral and slightly polar, at codon 656 of the PIK3AP1 protein (p.Ser656Cys).